The following is an entry in ClinVar:

NM_001134363.3(RBM20):c.1602C>T (p.Asp534=)

Gene: RBM20 (RNA binding motif protein 20; plus strand). Cytogenetic location: 10q25.2.
Variant type: single nucleotide variant.
Coding change: c.1602C>T on transcript NM_001134363.3 (MANE Select); coding-DNA position 1602, C replaced by T.
Protein change: p.Asp534=; no amino-acid change (aspartic acid 534 retained).
Molecular consequence: synonymous variant.
Genome position (GRCh38, 1-based): chr10:110,797,582, C>T. VCF-style: chr10-110797582-C-T. GRCh37 (hg19) VCF-style: chr10-112557340-C-T.
Other names: p.Asp534=.
Identifiers: ClinVar variation 198123 (VCV000198123.46), dbSNP rs76048624, ClinGen allele CA246616.
Genomic context (GRCh38, chr10:110,797,582, plus strand): 5'-AGGGGCTGGCCGTGTGGTGCACATCTGCAATCTCCCTGAAGGAAGCTGCACTGAGAATGA[C>T]GTCATTAACCTGGGGCTGCCCTTTGGAAAGGTCACTAATTACATCCTCATGAAGTCGACT-3'
Protein context (NP_001127835.2, residues 524-544): NLPEGSCTEN[Asp534=]VINLGLPFGK

ClinVar aggregate classification (germline): Conflicting classifications of pathogenicity. Review status: criteria provided, conflicting classifications (1 of 4 stars). 12 submissions from 12 submitters: Uncertain significance (1); Benign (2); Likely benign (7). 2 of the submissions do not count toward it. Last evaluated 2026-01-25.

Conditions:
Cardiovascular phenotype. Identifiers: MedGen CN230736.
Dilated cardiomyopathy 1DD (CMD1DD). Identifiers: Orphanet 154, MedGen C2750995, MONDO:0013168, OMIM 613172.

Allele frequency attached by ClinVar (database versions not stated): gnomAD exomes 0.00017; ExAC 0.00018; ESP Exome Variant Server 0.00044; TOPMed 0.00090; gnomAD 0.00098 and 0.00102; 1000 Genomes Project 30x 0.00125; 1000 Genomes Project 0.00140.

Submissions (12):

Labcorp Genetics (formerly Invitae), Labcorp
Classification: Likely benign for Dilated cardiomyopathy 1DD. Last evaluated: 2026-01-25. Review status: criteria provided, single submitter. Criteria: Invitae Variant Classification Sherloc (09022015). Collection method: clinical testing. Allele origin: germline.

Mayo Clinic Laboratories, Mayo Clinic
Classification: Likely benign. Last evaluated: 2025-10-03. Review status: criteria provided, single submitter. Criteria: ACMG Guidelines, 2015. Collection method: clinical testing. Allele origin: germline. Observed: 1 variant allele.
Comment: BS1, BP4, BP7

CeGaT Center for Human Genetics Tuebingen
Classification: Likely benign. Last evaluated: 2025-10-01. Review status: criteria provided, single submitter. Criteria: CeGaT Center For Human Genetics Tuebingen Variant Classification Criteria Version 2. Collection method: clinical testing. Allele origin: germline. Affected: yes. Observed: 2 variant alleles.
Comment: RBM20: BP4, BP7

Women's Health and Genetics/Laboratory Corporation of America, LabCorp
Classification: Benign. Last evaluated: 2025-06-16. Review status: criteria provided, single submitter. Criteria: LabCorp Variant Classification Summary - May 2015. Collection method: clinical testing. Allele origin: germline.

Molecular Diagnostic Laboratory for Inherited Cardiovascular Disease, Montreal Heart Institute
Classification: Benign. Last evaluated: 2025-04-09. Review status: criteria provided, single submitter. Criteria: ACMG Guidelines, 2015. Collection method: clinical testing. Allele origin: germline. Affected: no.
Comment: BS1;BP6;BP7

Blueprint Genetics
Classification: Likely benign. Last evaluated: 2023-06-01. Review status: criteria provided, single submitter. Criteria: ACMG Guidelines, 2015. Collection method: clinical testing. Allele origin: germline.

GeneDx
Classification: Likely benign. Last evaluated: 2020-10-05. Review status: criteria provided, single submitter. Criteria: GeneDx Variant Classification Process June 2021. Collection method: clinical testing. Allele origin: germline. Affected: yes.

Ambry Genetics
Classification: Likely benign for Cardiovascular phenotype. Last evaluated: 2018-05-31. Review status: criteria provided, single submitter. Criteria: Ambry Variant Classification Scheme 2023. Collection method: clinical testing. Allele origin: germline.

Eurofins Ntd Llc (ga)
Classification: Uncertain significance. Last evaluated: 2015-04-10. Review status: criteria provided, single submitter. Criteria: EGL Classification Definitions 2015. Collection method: clinical testing. Allele origin: germline. Observed: 1 variant allele, 1 heterozygote.

Laboratory for Molecular Medicine, Mass General Brigham Personalized Medicine
Classification: Likely benign. Last evaluated: 2015-01-14. Review status: criteria provided, single submitter. Criteria: LMM Criteria. Collection method: clinical testing. Allele origin: germline. Observed: 1 variant allele.
Comment: p.Asp534Asp in exon 6 of RBM20: This variant is not expected to have clinical si gnificance because it does not alter an amino acid residue and is not located wi thin the splice consensus sequence. It has been identified in 0.2% (4/2290) of A frican American chromosomes by the Exome Aggregation Consortium (ExAC; dbSNP rs76048624).

Clinical Genetics DNA and cytogenetics Diagnostics Lab, Erasmus MC, Erasmus Medical Center
Classification: Likely benign. Review status: no assertion criteria provided. Collection method: clinical testing. Allele origin: germline. Affected: yes. Study: VKGL Data-share Consensus. Not counted in ClinVar's aggregate classification.

Genome Diagnostics Laboratory, University Medical Center Utrecht
Classification: Benign. Review status: no assertion criteria provided. Collection method: clinical testing. Allele origin: germline. Affected: yes. Study: VKGL Data-share Consensus. Not counted in ClinVar's aggregate classification.